The following is an entry in ClinVar:

NM_015409.5(EP400):c.1455C>T (p.Arg485=)

Gene: EP400 (E1A binding protein p400; plus strand). Cytogenetic location: 12q24.33.
Variant type: single nucleotide variant.
Coding change: c.1455C>T on transcript NM_015409.5 (MANE Select); coding-DNA position 1455, C replaced by T.
Protein change: p.Arg485=; no amino-acid change (arginine 485 retained).
Molecular consequence: synonymous variant.
Genome position (GRCh38, 1-based): chr12:131,981,508, C>T. VCF-style: chr12-131981508-C-T. GRCh37 (hg19) VCF-style: chr12-132466053-C-T.
Identifiers: ClinVar variation 747136 (VCV000747136.6), dbSNP rs61748000, ClinGen allele CA6884753.
Genomic context (GRCh38, chr12:131,981,508, plus strand): 5'-ATTTTTACATCAAACTGCACCTTTTTTGAAAATTATTCTAGAGCAGTCTAAGAGGCCTCG[C>T]CTTGAAGTGGGTCACCAAGGGGTAGTTTTCCAGCACCCAGGGGCGGACGCAGGCGTTCCT-3'
Protein context (NP_056224.3, residues 475-495): TGMAEQSKRP[Arg485=]LEVGHQGVVF

ClinVar aggregate classification (germline): Benign. Review status: criteria provided, multiple submitters, no conflicts (2 of 4 stars). 3 submissions from 3 submitters: Benign (2). 1 of the submissions does not count toward it. Last evaluated 2018-07-26.

Conditions:
EP400-related disorder. Also called: EP400-related condition.

Allele frequency attached by ClinVar (database versions not stated): gnomAD exomes 0.00021 and 0.00053; ExAC 0.00175; 1000 Genomes Project 0.00200; gnomAD 0.00214 and 0.00231; 1000 Genomes Project 30x 0.00234; ESP Exome Variant Server 0.00238; TOPMed 0.00248.
gnomAD v4.1: 641 of 1,585,312 alleles (0.04%); highest among the groups gnomAD compares: African/African-American, 0.78%; 6 homozygotes.

Submissions (3):

Labcorp Genetics (formerly Invitae), Labcorp
Classification: Benign. Last evaluated: 2018-07-26. Review status: criteria provided, single submitter. Criteria: Invitae Variant Classification Sherloc (09022015). Collection method: clinical testing. Allele origin: germline.

Breakthrough Genomics
Classification: Benign. Review status: criteria provided, single submitter. Criteria: ACMG Guidelines, 2015. Collection method: not provided. Allele origin: germline. Inheritance: Unknown mechanism. Affected: yes.

PreventionGenetics, part of Exact Sciences
Classification: Likely benign for EP400-related condition. Last evaluated: 2019-04-29. Review status: no assertion criteria provided. Collection method: clinical testing. Allele origin: germline. Not counted in ClinVar's aggregate classification.
Comment: This variant is classified as likely benign based on ACMG/AMP sequence variant interpretation guidelines (Richards et al. 2015 PMID: 25741868, with internal and published modifications).